The following is an entry in ClinVar:

NM_012452.3(TNFRSF13B):c.752C>T (p.Pro251Leu)

Gene: TNFRSF13B (TNF receptor superfamily member 13B; minus strand). Cytogenetic location: 17p11.2.
Variant type: single nucleotide variant.
Coding change: c.752C>T on transcript NM_012452.3 (MANE Select); coding-DNA position 752, C replaced by T.
Protein change: p.Pro251Leu; replaces proline 251 with leucine.
Molecular consequence: missense variant.
Genome position (GRCh38, 1-based): chr17:16,939,677, G>A on the plus strand (C>T on the coding strand, the complement: TNFRSF13B is on the minus strand). VCF-style: chr17-16939677-G-A. GRCh37 (hg19) VCF-style: chr17-16842991-G-A.
Other names: short protein forms P251L.
Identifiers: ClinVar variation 322025 (VCV000322025.29), dbSNP rs34562254, ClinGen allele CA8413859.

ClinVar aggregate classification (germline): Benign. Review status: criteria provided, multiple submitters, no conflicts (2 of 4 stars). 7 submissions from 7 submitters: Benign (7). Last evaluated 2026-02-04.

Conditions:
Immunodeficiency, common variable, 2 (CVID2). Also called: HYPOGAMMAGLOBULINEMIA DUE TO TACI DEFICIENCY; ANTIBODY DEFICIENCY DUE TO TACI DEFECT. Identifiers: Orphanet 1572, MedGen C3150354, MONDO:0009413, OMIM 240500.

Allele frequency attached by ClinVar (database versions not stated): gnomAD exomes 0.11483 and 0.13884; ESP Exome Variant Server 0.11795; gnomAD 0.12363 and 0.12730; TOPMed 0.12912; ExAC 0.14178; 1000 Genomes Project 30x 0.18629; 1000 Genomes Project 0.19069.
gnomAD v4.1: 187,821 of 1,610,656 alleles (12%); highest among the groups gnomAD compares: East Asian, 38%; 13,192 homozygotes.

Submissions (7):

Labcorp Genetics (formerly Invitae), Labcorp
Classification: Benign for Immunodeficiency, common variable, 2. Last evaluated: 2026-02-04. Review status: criteria provided, single submitter. Criteria: Invitae Variant Classification Sherloc (09022015). Collection method: clinical testing. Allele origin: germline.

Unidad de Genómica Garrahan, Hospital de Pediatría Garrahan
Classification: Benign. Last evaluated: 2024-01-24. Review status: criteria provided, single submitter. Criteria: ACMG Guidelines, 2015. Collection method: clinical testing. Allele origin: germline. Affected: no. Observed: 28 variant alleles.
Comment: This variant is classified as Benign based on local population frequency. This variant was detected in 29% of patients studied by a panel of primary immunodeficiencies. Number of patients: 28. Only high quality variants are reported.

ARUP Laboratories, Molecular Genetics and Genomics, ARUP Laboratories
Classification: Benign. Last evaluated: 2019-11-04. Review status: criteria provided, single submitter. Criteria: ARUP Molecular Germline Variant Investigation Process. Collection method: clinical testing. Allele origin: germline.

GeneDx
Classification: Benign. Last evaluated: 2018-11-12. Review status: criteria provided, single submitter. Criteria: GeneDx Variant Classification Process June 2021. Collection method: clinical testing. Allele origin: germline. Affected: yes.
Comment: This variant is associated with the following publications: (PMID: 28728263)

Mayo Clinic Laboratories, Mayo Clinic
Classification: Benign. Last evaluated: 2016-10-17. Review status: criteria provided, single submitter. Criteria: ACMG Guidelines, 2015. Collection method: clinical testing. Allele origin: germline. Observed: 33 variant alleles.

Laboratory for Molecular Medicine, Mass General Brigham Personalized Medicine
Classification: Benign. Last evaluated: 2016-03-29. Review status: criteria provided, single submitter. Criteria: LMM Criteria. Collection method: clinical testing. Allele origin: germline.
Comment: Variant identified in a genome or exome case(s) and assessed due to predicted null impact of the variant or pathogenic assertions in the literature or databases. Disclaimer: This variant has not undergone full assessment. The following are preliminary notes: Frequency

Breakthrough Genomics
Classification: Benign. Review status: criteria provided, single submitter. Criteria: ACMG Guidelines, 2015. Collection method: not provided. Allele origin: germline. Inheritance: Autosomal recessive inheritance. Affected: yes.